The following is an entry in ClinVar:

NM_001089.3(ABCA3):c.3426G>A (p.Trp1142Ter)

Gene: ABCA3 (ATP binding cassette subfamily A member 3; minus strand). Cytogenetic location: 16p13.3.
Variant type: single nucleotide variant.
Coding change: c.3426G>A on transcript NM_001089.3 (MANE Select); coding-DNA position 3426, G replaced by A.
Protein change: p.Trp1142Ter; replaces tryptophan 1142 with a stop codon.
Molecular consequence: nonsense.
Genome position (GRCh38, 1-based): chr16:2,285,499, C>T on the plus strand (G>A on the coding strand, the complement: ABCA3 is on the minus strand). VCF-style: chr16-2285499-C-T. GRCh37 (hg19) VCF-style: chr16-2335500-C-T.
Other names: short protein forms W1142*.
Identifiers: ClinVar variation 8011 (VCV000008011.6), dbSNP rs121909181, ClinGen allele CA119212.
Genomic context (GRCh38, chr16:2,285,499, plus strand): 5'-CACCAGCAGCAGCAGACTGGGGATGAGGAAGGAGATGAGGTCCCACAGCAGAGCAGAGAG[C>T]CAGAAACTGGCCACGTGGACTCCACTCACAAACTGCACATGCTTGGCCTGCACGGCCCTC-3'

ClinVar aggregate classification (germline): Pathogenic. Review status: criteria provided, multiple submitters, no conflicts (2 of 4 stars). 4 submissions from 4 submitters: Pathogenic (3). 1 of the submissions does not count toward it. Last evaluated 2024-08-27.

Conditions:
Interstitial lung disease due to ABCA3 deficiency. Also called: PULMONARY ALVEOLAR PROTEINOSIS, CONGENITAL, 3. Identifiers: Orphanet 440402, MedGen C1970456, MONDO:0012582, OMIM 610921.

Allele frequency attached by ClinVar (database versions not stated): TOPMed below 0.00001; gnomAD 0.00001.

Submissions (4):

Myriad Genetics, Inc.
Classification: Pathogenic for Interstitial lung disease due to ABCA3 deficiency. Last evaluated: 2024-08-27. Review status: criteria provided, single submitter. Criteria: Myriad Autosomal Dominant, Autosomal Recessive and X-Linked Classification Criteria (2023). Collection method: clinical testing. Allele origin: unknown.
Comment: NM_001089.2(ABCA3):c.3426G>A(W1142*) is expected to be pathogenic in the context of surfactant deficiency, ABCA3-related. This variant is predicted to lead to an abnormal or absent protein product due to the creation of a premature termination codon in ABCA3, a gene where loss-of-function variants are known to be pathogenic. Please note: this variant was assessed in the context of healthy population screening.

Fulgent Genetics
Classification: Pathogenic for Interstitial lung disease due to ABCA3 deficiency. Last evaluated: 2024-06-07. Review status: criteria provided, single submitter. Criteria: ACMG Guidelines, 2015. Collection method: clinical testing. Allele origin: germline.

Labcorp Genetics (formerly Invitae), Labcorp
Classification: Pathogenic. Last evaluated: 2023-03-12. Review status: criteria provided, single submitter. Criteria: Invitae Variant Classification Sherloc (09022015). Collection method: clinical testing. Allele origin: germline.
Comment: This sequence change creates a premature translational stop signal (p.Trp1142*) in the ABCA3 gene. It is expected to result in an absent or disrupted protein product. Loss-of-function variants in ABCA3 are known to be pathogenic (PMID: 27516224). For these reasons, this variant has been classified as Pathogenic. ClinVar contains an entry for this variant (Variation ID: 8011). This premature translational stop signal has been observed in individual(s) with autosomal recessive clinical surfactant deficiency (PMID: 15044640). This variant is not present in population databases (gnomAD no frequency).

OMIM
Classification: Pathogenic for SURFACTANT METABOLISM DYSFUNCTION, PULMONARY, 3. Last evaluated: 2004-03-25. Review status: no assertion criteria provided. Collection method: literature only. Allele origin: germline. Not counted in ClinVar's aggregate classification.

Literature cited by the submitters: PubMed 27516224 (cited by Labcorp Genetics (formerly Invitae), Labcorp); PubMed 15044640 (cited by Labcorp Genetics (formerly Invitae), Labcorp and OMIM).